The following is an entry in ClinVar:

ClinVar aggregate classification (germline): Likely pathogenic (1 of 4 stars; one submission).

Submission:

Labcorp Genetics (formerly Invitae), Labcorp
Classification: Likely pathogenic. Last evaluated: 2023-05-12. Review status: criteria provided, single submitter. Criteria: Invitae Variant Classification Sherloc (09022015). Collection method: clinical testing. Allele origin: unknown.
Comment: This variant results in a copy number gain of the genomic region encompassing exon(s) 22-26 of the USH2A gene. While the exact position of this variant cannot be determined from the data, sub-genic copy number gains are generally in tandem (PMID: 25640679). This variant is predicted to be out-of-frame, and may result in an absent or disrupted protein product. Loss-of-function variants in USH2A are known to be pathogenic (PMID: 10729113, 10909849, 20507924, 25649381). This variant has not been reported in the literature in individuals affected with USH2A-related conditions. In summary, the currently available evidence indicates that the variant is pathogenic, but additional data are needed to prove that conclusively. Therefore, this variant has been classified as Likely Pathogenic.

Literature cited by the submitters: PubMed 25640679; PubMed 10729113; PubMed 10909849; PubMed 20507924; PubMed 25649381.

NC_000001.10:g.(?_216256778)_(216270575_?)dup

Gene: USH2A (usherin; minus strand). Cytogenetic location: 1q41.
Variant type: Duplication.
Identifiers: ClinVar variation 3248079 (VCV003248079.1).